The following is an entry in ClinVar:

ClinVar aggregate classification (germline): Conflicting classifications of pathogenicity. Review status: criteria provided, conflicting classifications (1 of 4 stars). 3 submissions from 3 submitters: Uncertain significance (2); Likely benign (1). Last evaluated 2025-08-12.

Conditions:
Charcot-Marie-Tooth disease type 2. Also called: Charcot-Marie-Tooth type 2. Identifiers: Orphanet 64746, MedGen C0270914, MONDO:0018993.

Allele frequency attached by ClinVar (database versions not stated): gnomAD 0.00003; gnomAD exomes 0.00003 and 0.00005; TOPMed 0.00003; ExAC 0.00005; ESP Exome Variant Server 0.00015.
gnomAD v4.1: 80 of 1,614,054 alleles (0.005%); highest among the groups gnomAD compares: Middle Eastern, 0.082%; no homozygotes.

Submissions (3):

Labcorp Genetics (formerly Invitae), Labcorp
Classification: Uncertain significance for Charcot-Marie-Tooth disease type 2. Last evaluated: 2025-08-12. Review status: criteria provided, single submitter. Criteria: Invitae Variant Classification Sherloc (09022015). Collection method: clinical testing. Allele origin: germline.
Comment: This sequence change replaces methionine, which is neutral and non-polar, with isoleucine, which is neutral and non-polar, at codon 816 of the KIF1B protein (p.Met816Ile). This variant is present in population databases (rs199818954, gnomAD 0.006%). This variant has not been reported in the literature in individuals affected with KIF1B-related conditions. ClinVar contains an entry for this variant (Variation ID: 1367579). Invitae Evidence Modeling of protein sequence and biophysical properties (such as structural, functional, and spatial information, amino acid conservation, physicochemical variation, residue mobility, and thermodynamic stability) indicates that this missense variant is not expected to disrupt KIF1B protein function with a negative predictive value of 80%. In summary, the available evidence is currently insufficient to determine the role of this variant in disease. Therefore, it has been classified as a Variant of Uncertain Significance.

Ambry Genetics
Classification: Uncertain significance. Last evaluated: 2024-12-25. Review status: criteria provided, single submitter. Criteria: Ambry Variant Classification Scheme 2023. Collection method: clinical testing. Allele origin: germline.

CeGaT Center for Human Genetics Tuebingen
Classification: Likely benign. Last evaluated: 2023-04-01. Review status: criteria provided, single submitter. Criteria: CeGaT Center For Human Genetics Tuebingen Variant Classification Criteria Version 2. Collection method: clinical testing. Allele origin: germline. Affected: yes. Observed: 1 variant allele.
Comment: KIF1B: BP4

NM_001365951.3(KIF1B):c.2586G>A (p.Met862Ile)

Gene: KIF1B (kinesin family member 1B; plus strand). Cytogenetic location: 1p36.22.
Variant type: single nucleotide variant.
Coding change: c.2586G>A on transcript NM_001365951.3 (MANE Select); coding-DNA position 2586, G replaced by A.
Protein change: p.Met862Ile; replaces methionine 862 with isoleucine.
Molecular consequence: missense variant.
Genome position (GRCh38, 1-based): chr1:10,324,806, G>A. VCF-style: chr1-10324806-G-A. GRCh37 (hg19) VCF-style: chr1-10384864-G-A.
Other names: c.2586G>A, p.Met862Ile (NM_001365952.1); c.2448G>A, p.Met816Ile (NM_015074.3); short protein forms M816I, M862I.
Identifiers: ClinVar variation 1367579 (VCV001367579.35), dbSNP rs199818954, ClinGen allele CA581561.